The following is an entry in ClinVar:

NM_001048174.2(MUTYH):c.1538C>A (p.Ala513Glu)

Gene: MUTYH (mutY DNA glycosylase; minus strand). Cytogenetic location: 1p34.1.
Variant type: single nucleotide variant.
Coding change: c.1538C>A on transcript NM_001048174.2 (MANE Select); coding-DNA position 1538, C replaced by A.
Protein change: p.Ala513Glu; replaces alanine 513 with glutamic acid.
Molecular consequence: missense variant. On other transcripts: non-coding transcript variant (2).
Genome position (GRCh38, 1-based): chr1:45,329,334, G>T on the plus strand (C>A on the coding strand, the complement: MUTYH is on the minus strand). VCF-style: chr1-45329334-G-T. GRCh37 (hg19) VCF-style: chr1-45795006-G-T.
Other names: c.1538C>A, p.Ala513Glu (NM_001048171.2, NM_001048173.2, NM_001293195.2); c.1541C>A, p.Ala514Glu (NM_001048172.2); c.1622C>A, p.Ala541Glu (NM_001128425.2); c.1583C>A, p.Ala528Glu (NM_001293190.2); c.1571C>A, p.Ala524Glu (NM_001293191.2); c.1262C>A, p.Ala421Glu (NM_001293192.2, NM_001293196.2); c.1193C>A, p.Ala398Glu (NM_001350650.2, NM_001350651.2); c.1613C>A, p.Ala538Glu (NM_012222.3); short protein forms A541E, A421E, A398E, A528E, A524E, A538E, A513E, A514E.
Identifiers: ClinVar variation 464705 (VCV000464705.12), dbSNP rs751053826, ClinGen allele CA340131559.
Genomic context (GRCh38, chr1:45,329,334, plus strand): 5'-GGATTCTCAGGGAATGGGGGCTTTCAGAGGTGTCACTGGGCTGCACTGTTGAGGCTGTGT[G>T]CATCAGTGGAGATGTGAGACCGAAAGAAATTATCCAGGACTTGCTGGCCCATGCGGGGCT-3'
Protein context (NP_001041639.1, residues 503-521): NFFRSHISTD[Ala513Glu]HSLNSAAQ

ClinVar aggregate classification (germline): Conflicting classifications of pathogenicity. Review status: criteria provided, conflicting classifications (1 of 4 stars). 4 submissions from 4 submitters: Uncertain significance (3); Benign (1). Last evaluated 2025-09-09.

Conditions:
Hereditary cancer-predisposing syndrome. Also called: Neoplastic Syndromes, Hereditary; Tumor predisposition; Hereditary neoplastic syndrome; Hereditary Cancer Syndrome. Identifiers: Orphanet 140162, MedGen C0027672, MeSH D009386, MONDO:0015356.
Familial adenomatous polyposis 2. Also called: COLORECTAL ADENOMATOUS POLYPOSIS, AUTOSOMAL RECESSIVE; ADENOMAS, MULTIPLE COLORECTAL, AUTOSOMAL RECESSIVE; MUTYH-associated polyposis; FAP type 2; MUTYH-related attenuated familial adenomatous polyposis; Adenomas, multiple colorectal. Identifiers: Orphanet 220460, Orphanet 247798, MedGen C3272841, MONDO:0012041, OMIM 608456.

Submissions (4):

Ambry Genetics
Classification: Benign for Hereditary cancer-predisposing syndrome. Last evaluated: 2025-09-09. Review status: criteria provided, single submitter. Criteria: Ambry Variant Classification Scheme 2023. Collection method: clinical testing. Allele origin: germline.

Labcorp Genetics (formerly Invitae), Labcorp
Classification: Uncertain significance for Familial adenomatous polyposis 2. Last evaluated: 2025-01-13. Review status: criteria provided, single submitter. Criteria: Invitae Variant Classification Sherloc (09022015). Collection method: clinical testing. Allele origin: germline.
Comment: This sequence change replaces alanine, which is neutral and non-polar, with glutamic acid, which is acidic and polar, at codon 541 of the MUTYH protein (p.Ala541Glu). This variant is present in population databases (no rsID available, gnomAD 0.003%). This variant has not been reported in the literature in individuals affected with MUTYH-related conditions. ClinVar contains an entry for this variant (Variation ID: 464705). An algorithm developed to predict the effect of missense changes on protein structure and function (PolyPhen-2) suggests that this variant is likely to be tolerated. In summary, the available evidence is currently insufficient to determine the role of this variant in disease. Therefore, it has been classified as a Variant of Uncertain Significance.

Baylor Genetics
Classification: Uncertain significance for Familial adenomatous polyposis 2. Last evaluated: 2023-09-09. Review status: criteria provided, single submitter. Criteria: ACMG Guidelines, 2015. Collection method: clinical testing. Allele origin: unknown.

Quest Diagnostics Nichols Institute San Juan Capistrano
Classification: Uncertain significance. Last evaluated: 2020-03-27. Review status: criteria provided, single submitter. Criteria: Quest Diagnostics criteria. Collection method: clinical testing. Allele origin: unknown.